The following is an entry in ClinVar:

NM_020975.6(RET):c.2523G>T (p.Pro841=)

Gene: RET (ret proto-oncogene; plus strand). Cytogenetic location: 10q11.21.
Variant type: single nucleotide variant.
Coding change: c.2523G>T on transcript NM_020975.6 (MANE Select); coding-DNA position 2523, G replaced by T.
Protein change: p.Pro841=; no amino-acid change (proline 841 retained).
Molecular consequence: synonymous variant.
Genome position (GRCh38, 1-based): chr10:43,119,661, G>T. VCF-style: chr10-43119661-G-T. GRCh37 (hg19) VCF-style: chr10-43615109-G-T.
Other names: c.2523G>T, p.Pro841= (NM_000323.2, NM_001406743.1, NM_001406744.1 and 4 more transcripts); c.1761G>T, p.Pro587= (NM_001355216.2); c.2394G>T, p.Pro798= (NM_001406761.1, NM_001406762.1, NM_001406764.1); c.2388G>T, p.Pro796= (NM_001406763.1, NM_001406765.1); c.2235G>T, p.Pro745= (NM_001406766.1, NM_001406767.1, NM_001406770.1); c.2259G>T, p.Pro753= (NM_001406768.1); c.2127G>T, p.Pro709= (NM_001406769.1, NM_001406772.1); c.2085G>T, p.Pro695= (NM_001406771.1, NM_001406773.1); and 10 more.
Identifiers: ClinVar variation 184140 (VCV000184140.63), dbSNP rs56195026, ClinGen allele CA008853.

ClinVar aggregate classification (germline): Conflicting classifications of pathogenicity. Review status: criteria provided, conflicting classifications (1 of 4 stars). 16 submissions from 13 submitters: Uncertain significance (4); Benign (2); Likely benign (10). Last evaluated 2026-04-01.

Conditions:
Multiple endocrine neoplasia. Identifiers: Orphanet 276161, MedGen C0027662, MONDO:0017169.
Hereditary cancer-predisposing syndrome. Also called: Neoplastic Syndromes, Hereditary; Hereditary Cancer Syndrome; Tumor predisposition; Hereditary neoplastic syndrome. Identifiers: Orphanet 140162, MedGen C0027672, MeSH D009386, MONDO:0015356.
Multiple endocrine neoplasia, type 2 (MEN2). Identifiers: Orphanet 653, MedGen C4048306, MONDO:0019003. Disease mechanism: gain of function.
Hirschsprung disease, susceptibility to, 1 (HSCR1). Also called: RET-Related Hirschsprung Disease. Identifiers: Orphanet 388, MedGen C3888239, MONDO:0007723, OMIM 142623.
Multiple endocrine neoplasia type 2A. Also called: MULTIPLE ENDOCRINE NEOPLASIA, TYPE IIA; PTC SYNDROME; SIPPLE SYNDROME; MEN 2A; MEN-2A syndrome; Pheochromocytoma and amyloid producing medullary thyroid carcinoma. Identifiers: Orphanet 247698, Orphanet 653, MedGen C0025268, MeSH D018813, MONDO:0008234, OMIM 171400.
Pheochromocytoma. Also called: MAX-Related Hereditary Paraganglioma-Pheochromocytoma Syndrome. Identifiers: Orphanet 29072, MedGen C0031511, MONDO:0008233, OMIM 171300, HP:0002666.
Renal hypodysplasia/aplasia 1 (RHDA1). Also called: RENAL APLASIA; HEREDITARY RENAL APLASIA. Identifiers: Orphanet 411709, MedGen C1619700, MONDO:0024519, OMIM 191830.

Allele frequency attached by ClinVar (database versions not stated): TOPMed 0.00022; ESP Exome Variant Server 0.00031; 1000 Genomes Project 30x 0.00016.
gnomAD v4.1: 284 of 1,613,338 alleles (0.018%); highest among the groups gnomAD compares: Middle Eastern, 0.033%; no homozygotes.

Submissions (16):

CeGaT Center for Human Genetics Tuebingen
Classification: Likely benign. Last evaluated: 2026-04-01. Review status: criteria provided, single submitter. Criteria: CeGaT Center For Human Genetics Tuebingen Variant Classification Criteria Version 2. Collection method: clinical testing. Allele origin: germline. Affected: yes. Observed: 4 variant alleles.
Comment: RET: BP4, BP7

Labcorp Genetics (formerly Invitae), Labcorp
Classification: Likely benign for Multiple endocrine neoplasia, type 2. Last evaluated: 2026-01-16. Review status: criteria provided, single submitter. Criteria: Invitae Variant Classification Sherloc (09022015). Collection method: clinical testing. Allele origin: germline.

Myriad Genetics, Inc.
Classification: Benign for Multiple endocrine neoplasia type 2A. Last evaluated: 2025-02-27. Review status: criteria provided, single submitter. Criteria: Myriad Autosomal Dominant, Autosomal Recessive and X-Linked Classification Criteria (2023). Collection method: clinical testing. Allele origin: unknown.
Comment: This variant is considered benign. This variant is a silent/synonymous amino acid change and it is not expected to impact splicing.

KCCC/NGS Laboratory, Kuwait Cancer Control Center
Classification: Benign for Pheochromocytoma. Last evaluated: 2025-02-01. Review status: criteria provided, single submitter. Criteria: ACMG Guidelines, 2015. Collection method: clinical testing. Allele origin: germline. Affected: no.

Blueprint Genetics
Classification: Likely benign. Last evaluated: 2024-07-04. Review status: criteria provided, single submitter. Criteria: ACMG Guidelines, 2015. Collection method: clinical testing. Allele origin: germline.

All of Us Research Program, National Institutes of Health
Classification: Likely benign for Multiple endocrine neoplasia, type 2. Last evaluated: 2024-02-05. Review status: criteria provided, single submitter. Criteria: ACMG Guidelines, 2015. Collection method: clinical testing. Allele origin: germline. Inheritance: Autosomal dominant inheritance. Observed: 37 variant alleles, 37 heterozygotes.
Comment: This study involves interpretation of variants in research participants for the purpose of population health screening. Participant phenotype was not available at the time of variant classification. Additional details can be found in publication PMID: 35346344, PMCID: PMC8962531

Color Diagnostics, LLC DBA Color Health
Classification: Likely benign for Multiple endocrine neoplasia, type 2. Last evaluated: 2022-09-20. Review status: criteria provided, single submitter. Criteria: ACMG Guidelines, 2015. Collection method: clinical testing. Allele origin: germline.

Sema4
Classification: Likely benign for Hereditary cancer-predisposing syndrome. Last evaluated: 2020-09-18. Review status: criteria provided, single submitter. Criteria: Sema4 Curation Guidelines. Collection method: curation. Allele origin: germline.

GeneDx
Classification: Likely benign. Last evaluated: 2019-05-22. Review status: criteria provided, single submitter. Criteria: GeneDx Variant Classification Process June 2021. Collection method: clinical testing. Allele origin: germline. Affected: yes.
Comment: This variant is associated with the following publications: (PMID: 22174939)

PreventionGenetics, part of Exact Sciences
Classification: Likely benign. Last evaluated: 2017-11-13. Review status: criteria provided, single submitter. Criteria: ACMG Guidelines, 2015. Collection method: clinical testing. Allele origin: germline.

Genetic Services Laboratory, University of Chicago
Classification: Likely benign. Last evaluated: 2017-07-05. Review status: criteria provided, single submitter. Criteria: ACMG Guidelines, 2015. Collection method: clinical testing. Allele origin: germline. Affected: no.

Illumina Laboratory Services, Illumina
Classification: Uncertain significance for Pheochromocytoma. Last evaluated: 2017-04-27. Review status: criteria provided, single submitter. Criteria: ICSL Variant Classification Criteria 13 December 2019. Collection method: clinical testing. Allele origin: germline.

Illumina Laboratory Services, Illumina
Classification: Uncertain significance for Multiple endocrine neoplasia. Last evaluated: 2017-04-27. Review status: criteria provided, single submitter. Criteria: ICSL Variant Classification Criteria 13 December 2019. Collection method: clinical testing. Allele origin: germline.

Illumina Laboratory Services, Illumina
Classification: Uncertain significance for Hirschsprung disease, susceptibility to, 1. Last evaluated: 2017-04-27. Review status: criteria provided, single submitter. Criteria: ICSL Variant Classification Criteria 13 December 2019. Collection method: clinical testing. Allele origin: germline.

Illumina Laboratory Services, Illumina
Classification: Uncertain significance for Renal hypodysplasia/aplasia 1. Last evaluated: 2017-04-27. Review status: criteria provided, single submitter. Criteria: ICSL Variant Classification Criteria 13 December 2019. Collection method: clinical testing. Allele origin: germline.

Ambry Genetics
Classification: Likely benign for Hereditary cancer-predisposing syndrome. Last evaluated: 2014-07-08. Review status: criteria provided, single submitter. Criteria: Ambry Variant Classification Scheme 2023. Collection method: clinical testing. Allele origin: germline.